The following is an entry in ClinVar:

NM_017617.5(NOTCH1):c.5485G>A (p.Val1829Met)

Gene: NOTCH1 (notch receptor 1; minus strand). Cytogenetic location: 9q34.3.
Variant type: single nucleotide variant.
Coding change: c.5485G>A on transcript NM_017617.5 (MANE Select); coding-DNA position 5485, G replaced by A.
Protein change: p.Val1829Met; replaces valine 1829 with methionine.
Molecular consequence: missense variant.
Genome position (GRCh38, 1-based): chr9:136,501,901, C>T on the plus strand (G>A on the coding strand, the complement: NOTCH1 is on the minus strand). VCF-style: chr9-136501901-C-T. GRCh37 (hg19) VCF-style: chr9-139396353-C-T.
Other names: c.5485G>A (NM_017617.3); short protein forms V1829M.
Identifiers: ClinVar variation 1421064 (VCV001421064.9), dbSNP rs765486614, ClinGen allele CA5340224.

ClinVar aggregate classification (germline): Conflicting classifications of pathogenicity. Review status: criteria provided, conflicting classifications (1 of 4 stars). 2 submissions from 2 submitters: Uncertain significance (1); Likely benign (1). Last evaluated 2025-11-26.

Conditions:
Familial thoracic aortic aneurysm and aortic dissection (TAAD). Also called: Thoracic aortic aneurysms and dissections. Identifiers: Orphanet 91387, MedGen C4707243, MONDO:0019625.
Adams-Oliver syndrome 5 (AOS5). Identifiers: Orphanet 974, MedGen C4014970, MONDO:0014459, OMIM 616028.

Allele frequency attached by ClinVar (database versions not stated): ExAC 0.00002; gnomAD exomes 0.00002; TOPMed 0.00002; gnomAD 0.00004.
gnomAD v4.1: 11 of 1,611,690 alleles (0.00068%); highest among the groups gnomAD compares: Admixed American, 0.0067%; no homozygotes.

Submissions (2):

Ambry Genetics
Classification: Uncertain significance for Familial thoracic aortic aneurysm and aortic dissection. Last evaluated: 2025-11-26. Review status: criteria provided, single submitter. Criteria: Ambry Variant Classification Scheme 2023. Collection method: clinical testing. Allele origin: germline.
Comment: The p.V1829M variant (also known as c.5485G>A), located in coding exon 30 of the NOTCH1 gene, results from a G to A substitution at nucleotide position 5485. The valine at codon 1829 is replaced by methionine, an amino acid with highly similar properties. This amino acid position is conserved. In addition, this alteration is predicted to be tolerated by in silico analysis. Based on the available evidence, the clinical significance of this variant remains unclear.

Labcorp Genetics (formerly Invitae), Labcorp
Classification: Likely benign for Adams-Oliver syndrome 5. Last evaluated: 2022-12-06. Review status: criteria provided, single submitter. Criteria: Invitae Variant Classification Sherloc (09022015). Collection method: clinical testing. Allele origin: germline.